The following is an entry in ClinVar:

ClinVar aggregate classification (germline): Uncertain significance (1 of 4 stars; one submission).

Conditions:
Bethlem myopathy 1A. Also called: MYOPATHY, BENIGN CONGENITAL, WITH CONTRACTURES; Bethlem myopathy 1; Bethlem Muscular Dystrophy. Identifiers: Orphanet 610, MedGen CN029274, MONDO:0024530, OMIM 158810.

Submission:

Labcorp Genetics (formerly Invitae), Labcorp
Classification: Uncertain significance for Bethlem myopathy 1A. Last evaluated: 2022-06-26. Review status: criteria provided, single submitter. Criteria: Invitae Variant Classification Sherloc (09022015). Collection method: clinical testing. Allele origin: germline.
Comment: In summary, the available evidence is currently insufficient to determine the role of this variant in disease. Therefore, it has been classified as a Variant of Uncertain Significance. Experimental studies and prediction algorithms are not available or were not evaluated, and the functional significance of this variant is currently unknown. This variant has not been reported in the literature in individuals affected with COL6A2-related conditions. This variant is not present in population databases (gnomAD no frequency). This variant, c.1852_1854del, results in the deletion of 1 amino acid(s) of the COL6A2 protein (p.Phe618del), but otherwise preserves the integrity of the reading frame.

NM_001849.4(COL6A2):c.1852_1854del (p.Phe618del)

Gene: COL6A2 (collagen type VI alpha 2 chain; plus strand). Cytogenetic location: 21q22.3.
Variant type: Deletion.
Coding change: c.1852_1854del on transcript NM_001849.4 (MANE Select); coding-DNA positions 1852 to 1854, 3 bases deleted (TTC; older notation c.1852_1854delTTC).
Protein change: p.Phe618del; deletes phenylalanine 618.
Molecular consequence: inframe deletion.
Genome position (GRCh38, 1-based): chr21:46,125,500-46,125,502, TTC deleted; deleting any 3 consecutive bases within chr21:46,125,498-46,125,502 gives the same sequence; the c. name uses the placement nearest the transcript's 3' end. VCF-style (leftmost placement, unchanged base first): chr21-46125497-GTCT-G. GRCh37 (hg19) VCF-style: chr21-47545411-GTCT-G.
Other names: c.1852_1854del, p.Phe618del (NM_058174.3, NM_058175.3); short protein forms F618del.
Identifiers: ClinVar variation 1961007 (VCV001961007.5), dbSNP rs2517016364, ClinGen allele CA2580099014.